The following is an entry in ClinVar:

NM_025114.4(CEP290):c.1217_1218delinsTC (p.His406Leu)

Gene: CEP290 (centrosomal protein 290; minus strand). Cytogenetic location: 12q21.32.
Variant type: Indel.
Coding change: c.1217_1218delinsTC on transcript NM_025114.4 (MANE Select); coding-DNA positions 1217 to 1218, AT replaced by TC.
Protein change: p.His406Leu; replaces histidine 406 with leucine.
Molecular consequence: missense variant.
Genome position (GRCh38, 1-based): chr12:88,121,138-88,121,139, AT replaced by GA on the plus strand (AT replaced by TC on the coding strand, the reverse complement: CEP290 is on the minus strand). VCF-style: chr12-88121138-AT-GA. GRCh37 (hg19) VCF-style: chr12-88514915-AT-GA.
Other names: short protein forms H406L.
Identifiers: ClinVar variation 1510027 (VCV001510027.6), dbSNP rs2137920625, ClinGen allele CA2573149045.

ClinVar aggregate classification (germline): Uncertain significance (1 of 4 stars; one submission).

Conditions:
Nephronophthisis. Also called: Juvenile Nephronophthisis. Identifiers: Orphanet 655, MedGen C0687120, MONDO:0019005, HP:0000090.
Meckel-Gruber syndrome. Also called: DYSENCEPHALIA SPLANCHNOCYSTICA; GRUBER SYNDROME; Dysencephalia splachnocystica. Identifiers: Orphanet 564, MedGen C0265215, MONDO:0018921.
Joubert syndrome. Also called: CEREBELLOPARENCHYMAL DISORDER IV; JOUBERT-BOLTSHAUSER SYNDROME; Familial aplasia of the vermis. Identifiers: Orphanet 475, MedGen C5979921, MONDO:0018772.

Submission:

Labcorp Genetics (formerly Invitae), Labcorp
Classification: Uncertain significance for Joubert syndrome; Meckel-Gruber syndrome; Nephronophthisis. Last evaluated: 2022-10-04. Review status: criteria provided, single submitter. Criteria: Invitae Variant Classification Sherloc (09022015). Collection method: clinical testing. Allele origin: germline.
Comment: In summary, the available evidence is currently insufficient to determine the role of this variant in disease. Therefore, it has been classified as a Variant of Uncertain Significance. Algorithms developed to predict the effect of missense changes on protein structure and function are either unavailable or do not agree on the potential impact of this missense change (SIFT: "Not Available"; PolyPhen-2: "Benign"; Align-GVGD: "Not Available"). ClinVar contains an entry for this variant (Variation ID: 1510027). This variant has not been reported in the literature in individuals affected with CEP290-related conditions. Information on the frequency of this variant in the gnomAD database is not available, as this variant may be reported differently in the database. This sequence change replaces histidine, which is basic and polar, with leucine, which is neutral and non-polar, at codon 406 of the CEP290 protein (p.His406Leu).